The following is an entry in ClinVar:

NC_000012.11:g.(?_11803062)_(15835885_?)dup

Genes: APOLD1 (apolipoprotein L domain containing 1; plus strand), ARHGDIB (Rho GDP dissociation inhibitor beta; minus strand), ART4 (ADP-ribosyltransferase 4 (inactive) (Dombrock blood group); minus strand), ATF7IP (activating transcription factor 7 interacting protein; plus strand), BCL2L14 (BCL2 like 14; plus strand) and 29 more. Cytogenetic location: 12p13.2-12.3.
Variant type: Duplication.
Identifiers: ClinVar variation 1436741 (VCV001436741.1).

ClinVar aggregate classification (germline): Uncertain significance. Review status: criteria provided, single submitter (1 of 4 stars). 2 submissions from 1 submitter: Uncertain significance (1). 1 of the submissions does not count toward it. Last evaluated 2021-08-07.

Conditions:
Intellectual developmental disorder, autosomal dominant 6, with or without seizures. Also called: GRIN2B-related developmental delay, intellectual disability and autism spectrum disorder; Intellectual disability, autosomal dominant 6. Identifiers: Orphanet 589547, MedGen C3151411, MONDO:0013509, OMIM 613970.
Developmental and epileptic encephalopathy, 27 (DEE27). Also called: GRIN2B-Related Neurodevelopmental Disorder; Epileptic encephalopathy, early infantile, 27. Identifiers: Orphanet 3451, MedGen C4015316, MONDO:0014505, OMIM 616139.

Submissions (2):

Labcorp Genetics (formerly Invitae), Labcorp
Classification: Uncertain significance for Developmental and epileptic encephalopathy, 27; Intellectual developmental disorder, autosomal dominant 6, with or without seizures. Last evaluated: 2021-08-07. Review status: criteria provided, single submitter. Criteria: Invitae Variant Classification Sherloc (09022015). Collection method: clinical testing. Allele origin: germline.
Comment: This variant results in a copy number gain of the genomic region encompassing the full coding sequence of the GRIN2B gene. The boundaries of this event are unknown as they extend beyond the assayed region for this gene and therefore may encompass additional genes. As the precise location of this event is unknown, it may be in tandem or it may be located elsewhere in the genome. This variant has not been reported in the literature in individuals with GRIN2B-related conditions. In summary, the available evidence is currently insufficient to determine the role of this variant in disease. Therefore, it has been classified as a Variant of Uncertain Significance.

Labcorp Genetics (formerly Invitae), Labcorp
Classification: Uncertain significance. Last evaluated: 2021-08-27. Review status: flagged submission. Criteria: Invitae Variant Classification Sherloc (09022015). Collection method: clinical testing. Allele origin: germline. Not counted in ClinVar's aggregate classification.
Comment: A copy number gain of the genomic region encompassing the full coding sequence of the GUCY2C gene has been identified. The boundaries of this event are unknown as they extend beyond the assayed region for this gene and therefore may encompass additional genes. As the precise location of this event is unknown, it may be in tandem or it may be located elsewhere in the genome. This variant has not been reported in the literature in individuals affected with GUCY2C-related conditions. In summary, the available evidence is currently insufficient to determine the role of this variant in disease. Therefore, it has been classified as a Variant of Uncertain Significance.
ClinVar note: Reason: This record appears to be redundant with a more recent record from the same submitter.
ClinVar note: Notes: SCV002215181 appears to be redundant with SCV002221855.